The following is an entry in ClinVar:

NM_001267550.2(TTN):c.65794G>A (p.Gly21932Arg)

Genes: TTN (titin; minus strand), TTN-AS1 (TTN antisense RNA 1; plus strand). Cytogenetic location: 2q31.2.
Variant type: single nucleotide variant.
Coding change: c.65794G>A on transcript NM_001267550.2 (MANE Select); coding-DNA position 65794, G replaced by A.
Protein change: p.Gly21932Arg; replaces glycine 21932 with arginine.
Molecular consequence: missense variant. On other transcripts: non-coding transcript variant (1).
Genome position (GRCh38, 1-based): chr2:178,583,009, C>T on the plus strand (G>A on the coding strand, the complement: TTN is on the minus strand). VCF-style: chr2-178583009-C-T. GRCh37 (hg19) VCF-style: chr2-179447736-C-T.
Other names: p.G20291R:GGA>AGA; c.60871G>A, p.Gly20291Arg (NM_001256850.1); c.38599G>A, p.Gly12867Arg (NM_003319.4); c.58090G>A, p.Gly19364Arg (NM_133378.4); c.38974G>A, p.Gly12992Arg (NM_133432.3); c.39175G>A, p.Gly13059Arg (NM_133437.4); short protein forms G20291R, G21932R, G19364R, G12867R, G12992R, G13059R.
Identifiers: ClinVar variation 202798 (VCV000202798.29), dbSNP rs373636513, ClinGen allele CA310322.

ClinVar aggregate classification (germline): Conflicting classifications of pathogenicity. Review status: criteria provided, conflicting classifications (1 of 4 stars). 11 submissions from 11 submitters: Uncertain significance (6); Likely benign (2). 3 of the submissions do not count toward it. Last evaluated 2026-03-05.

Conditions:
TTN-related disorder. Also called: TTN-related disorders; TTN-related condition; TTN-related disease.
Autosomal recessive limb-girdle muscular dystrophy type 2J (LGMDR10). Also called: Limb-girdle muscular dystrophy, type 2J; MUSCULAR DYSTROPHY, LIMB-GIRDLE, AUTOSOMAL RECESSIVE 10. Identifiers: Orphanet 140922, MedGen C1837342, MONDO:0012127, OMIM 608807.
Dilated cardiomyopathy 1G (CMD1G). Identifiers: Orphanet 154, MedGen C1858763, MONDO:0011400, OMIM 604145.
Myopathy, myofibrillar, 9, with early respiratory failure (MFM9). Also called: Hereditary myopathy with early respiratory failure; EDSTROM MYOPATHY; MYOPATHY, PROXIMAL, WITH EARLY RESPIRATORY MUSCLE INVOLVEMENT; Myopathy, distal, with early respiratory failure, autosomal dominant. Identifiers: Orphanet 178464, Orphanet 34521, MedGen C1863599, MONDO:0011362, OMIM 603689.
Tibial muscular dystrophy (TMD). Also called: Tibial muscular dystrophy, tardive; UDD MYOPATHY; Udd Distal Myopathy – Tibial Muscular Dystrophy. Identifiers: Orphanet 609, MedGen C1838244, MONDO:0010870, OMIM 600334.
Hypertrophic cardiomyopathy 9. Also called: Familial hypertrophic cardiomyopathy 9. Identifiers: MedGen C1861065, MONDO:0013412, OMIM 613765.
Early-onset myopathy with fatal cardiomyopathy (CMYO5). Also called: Salih Myopathy; CONGENITAL MYOPATHY 5 WITH CARDIOMYOPATHY. Identifiers: Orphanet 289377, MedGen C2673677, MONDO:0012714, OMIM 611705. Disease mechanism: loss of function.
Cardiomyopathy (CMYO). Also called: Cardiomyopathies. Identifiers: Orphanet 167848, MedGen C0878544, MONDO:0004994, HP:0001638. Inheritance: Various modes of inheritance.

Allele frequency attached by ClinVar (database versions not stated): gnomAD exomes 0.00002 and 0.00005; ExAC 0.00003; gnomAD 0.00003 and 0.00001; TOPMed 0.00001.
gnomAD v4.1: 34 of 1,604,246 alleles (0.0021%); highest among the groups gnomAD compares: South Asian, 0.022%; no homozygotes.

Submissions (11):

PreventionGenetics, part of Exact Sciences
Classification: Uncertain significance for TTN-related condition. Last evaluated: 2026-03-05. Review status: criteria provided, single submitter. Criteria: ACMG Guidelines, 2015. Collection method: clinical testing. Allele origin: germline.
Comment: The TTN c.65794G>A variant is predicted to result in the amino acid substitution p.Gly21932Arg. To our knowledge, this variant has not been reported in the literature. This variant is reported in 0.029% of alleles in individuals of East Asian descent in gnomAD. At this time, the clinical significance of this variant is uncertain due to the absence of conclusive functional and genetic evidence.

Blueprint Genetics
Classification: Likely benign. Last evaluated: 2024-05-16. Review status: criteria provided, single submitter. Criteria: ACMG Guidelines, 2015. Collection method: clinical testing. Allele origin: germline.

Revvity Omics, Revvity
Classification: Uncertain significance. Last evaluated: 2023-06-30. Review status: criteria provided, single submitter. Criteria: ACMG Guidelines, 2015. Collection method: clinical testing. Allele origin: germline.

ARUP Laboratories, Molecular Genetics and Genomics, ARUP Laboratories
Classification: Uncertain significance. Last evaluated: 2019-12-15. Review status: criteria provided, single submitter. Criteria: ARUP Molecular Germline Variant Investigation Process. Collection method: clinical testing. Allele origin: germline.
Comment: The TTN c.65794G>A; p.Gly21932Arg variant (rs373636513; ClinVar Variation ID: 202798) is rare in the general population (<1% allele frequency in the Genome Aggregation Database) and has not been reported in the medical literature in association with dilated cardiomyopathy (DCM) or other TTN-related disease. The clinical relevance of rare missense variants in this gene, which are identified on average once per individual sequenced in affected populations (Herman 2012), is not well understood. Yet, evidence suggests that the vast majority of such missense variants do not contribute to the clinical outcome of DCM (Begay 2015). Thus, the clinical significance of the p.Gly21932Arg variant cannot be determined with certainty. References: Begay RL et al. Role of Titin Missense Variants in Dilated Cardiomyopathy. J Am Heart Assoc. 2015 Nov 13;4(11). Herman DS et al. Truncations of titin causing dilated cardiomyopathy. N Engl J Med. 2012 Feb 16;366(7):619-28.

GeneDx
Classification: Likely benign. Last evaluated: 2019-12-06. Review status: criteria provided, single submitter. Criteria: GeneDx Variant Classification Process June 2021. Collection method: clinical testing. Allele origin: germline. Affected: yes.

CHEO Genetics Diagnostic Laboratory, Children's Hospital of Eastern Ontario
Classification: Uncertain significance for Cardiomyopathy. Last evaluated: 2019-08-22. Review status: criteria provided, single submitter. Criteria: ACMG Guidelines, 2015. Collection method: clinical testing. Allele origin: germline.

Labcorp Genetics (formerly Invitae), Labcorp
Classification: Uncertain significance for Dilated cardiomyopathy 1G; Autosomal recessive limb-girdle muscular dystrophy type 2J. Last evaluated: 2017-12-04. Review status: criteria provided, single submitter. Criteria: Invitae Variant Classification Sherloc (09022015). Collection method: clinical testing. Allele origin: germline.

Juno Genomics, Hangzhou Juno Genomics, Inc
Classification: Uncertain significance for Hypertrophic cardiomyopathy 9; Myopathy, myofibrillar, 9, with early respiratory failure; Tibial muscular dystrophy; Early-onset myopathy with fatal cardiomyopathy; Dilated cardiomyopathy 1G; Autosomal recessive limb-girdle muscular dystrophy type 2J. Review status: criteria provided, single submitter. Criteria: ACMG Guidelines, 2015. Collection method: clinical testing. Allele origin: germline.
Comment: Missense variant in a gene that has a low rate of benign missense variation.;Multiple lines of computational evidence support a deleterious effect on the gene or gene product.;Absent from controls (or at extremely low frequency if recessive) in Genome Aggregation Database.

Clinical Genetics DNA and cytogenetics Diagnostics Lab, Erasmus MC, Erasmus Medical Center
Classification: Uncertain significance. Review status: no assertion criteria provided. Collection method: clinical testing. Allele origin: germline. Affected: yes. Study: VKGL Data-share Consensus. Not counted in ClinVar's aggregate classification.

Clinical Genetics, Academic Medical Center
Classification: Uncertain significance. Review status: no assertion criteria provided. Collection method: clinical testing. Allele origin: germline. Affected: yes. Study: VKGL Data-share Consensus. Not counted in ClinVar's aggregate classification.

Joint Genome Diagnostic Labs from Nijmegen and Maastricht, Radboudumc and MUMC+
Classification: Uncertain significance. Review status: no assertion criteria provided. Collection method: clinical testing. Allele origin: germline. Affected: yes. Study: VKGL Data-share Consensus. Not counted in ClinVar's aggregate classification.